The following is an entry in ClinVar:

ClinVar aggregate classification (germline): Uncertain significance (1 of 4 stars; one submission).

Conditions:
Charcot-Marie-Tooth disease type 2. Also called: Charcot-Marie-Tooth type 2. Identifiers: Orphanet 64746, MedGen C0270914, MONDO:0018993.

Allele frequency attached by ClinVar (database versions not stated): TOPMed below 0.00001; ExAC 0.00001; gnomAD 0.00001; ESP Exome Variant Server 0.00008; gnomAD exomes below 0.00001.
gnomAD v4.1: 6 of 1,614,088 alleles (0.00037%); highest among the groups gnomAD compares: African/African-American, 0.0013%; no homozygotes.

Submission:

Labcorp Genetics (formerly Invitae), Labcorp
Classification: Uncertain significance for Charcot-Marie-Tooth disease type 2. Last evaluated: 2024-04-29. Review status: criteria provided, single submitter. Criteria: Invitae Variant Classification Sherloc (09022015). Collection method: clinical testing. Allele origin: germline.
Comment: This sequence change replaces alanine, which is neutral and non-polar, with aspartic acid, which is acidic and polar, at codon 660 of the MFN2 protein (p.Ala660Asp). This variant is not present in population databases (gnomAD no frequency). This variant has not been reported in the literature in individuals affected with MFN2-related conditions. ClinVar contains an entry for this variant (Variation ID: 1442524). Advanced modeling of protein sequence and biophysical properties (such as structural, functional, and spatial information, amino acid conservation, physicochemical variation, residue mobility, and thermodynamic stability) performed at Invitae indicates that this missense variant is expected to disrupt MFN2 protein function with a positive predictive value of 95%. In summary, the available evidence is currently insufficient to determine the role of this variant in disease. Therefore, it has been classified as a Variant of Uncertain Significance.

NM_014874.4(MFN2):c.1979C>A (p.Ala660Asp)

Gene: MFN2 (mitofusin 2; plus strand). Cytogenetic location: 1p36.22.
Variant type: single nucleotide variant.
Coding change: c.1979C>A on transcript NM_014874.4 (MANE Select); coding-DNA position 1979, C replaced by A.
Protein change: p.Ala660Asp; replaces alanine 660 with aspartic acid.
Molecular consequence: missense variant.
Genome position (GRCh38, 1-based): chr1:12,007,159, C>A. VCF-style: chr1-12007159-C-A. GRCh37 (hg19) VCF-style: chr1-12067216-C-A.
Other names: c.1979C>A, p.Ala660Asp (NM_001127660.2); short protein forms A660D.
Identifiers: ClinVar variation 1442524 (VCV001442524.8), dbSNP rs377090439, ClinGen allele CA599291.